The following is an entry in ClinVar:

NM_004994.3(MMP9):c.649+3G>T

Gene: MMP9 (matrix metallopeptidase 9; plus strand). Cytogenetic location: 20q13.12.
Variant type: single nucleotide variant.
Coding change: c.649+3G>T on transcript NM_004994.3 (MANE Select); 3 bases into the intron after coding-DNA position 649, G replaced by T.
Molecular consequence: intron variant.
Genome position (GRCh38, 1-based): chr20:46,011,053, G>T. VCF-style: chr20-46011053-G-T. GRCh37 (hg19) VCF-style: chr20-44639692-G-T.
Identifiers: ClinVar variation 338548 (VCV000338548.24), dbSNP rs2274755, ClinGen allele CA9886461.
Genomic context (GRCh38, chr20:46,011,053, plus strand): 5'-ATTCAGGGAGACGCCCATTTCGACGATGACGAGTTGTGGTCCCTGGGCAAGGGCGTCGGT[G>T]AGATTCTGAGTCCTCCTGGCCCCTGATTCCCTTCATTCTCTCCCACTCATCACCCGCCGC-3'

ClinVar aggregate classification (germline): Benign. Review status: criteria provided, multiple submitters, no conflicts (2 of 4 stars). 7 submissions from 7 submitters: Benign (7). Last evaluated 2026-02-03.

Conditions:
Metaphyseal anadysplasia 2 (MANDP2). Also called: Metaphyseal anadysplasia 2, autosomal recessive. Identifiers: Orphanet 1040, MedGen C2751322, MONDO:0013113, OMIM 613073.

Allele frequency attached by ClinVar (database versions not stated): TOPMed 0.14560; ESP Exome Variant Server 0.14778; gnomAD 0.14987 and 0.15429; gnomAD exomes 0.15162 and 0.15367; ExAC 0.15827; 1000 Genomes Project 30x 0.17958; 1000 Genomes Project 0.18610.

Submissions (23):

Labcorp Genetics (formerly Invitae), Labcorp
Classification: Benign. Last evaluated: 2026-02-03. Review status: criteria provided, single submitter. Criteria: Invitae Variant Classification Sherloc (09022015). Collection method: clinical testing. Allele origin: germline.

Genome-Nilou Lab
Classification: Benign for Metaphyseal anadysplasia 2. Last evaluated: 2021-09-05. Review status: criteria provided, single submitter. Criteria: ACMG Guidelines, 2015. Collection method: clinical testing. Allele origin: germline. Affected: no.

Mendelics
Classification: Benign for Metaphyseal anadysplasia 2. Last evaluated: 2019-05-28. Review status: criteria provided, single submitter. Criteria: Mendelics Assertion Criteria 2017. Collection method: clinical testing. Allele origin: unknown.

GeneDx
Classification: Benign. Last evaluated: 2018-11-12. Review status: criteria provided, single submitter. Criteria: GeneDx Variant Classification Process June 2021. Collection method: clinical testing. Allele origin: germline. Affected: yes.
Comment: This variant is associated with the following publications: (PMID: 16631427, 25525159)

Eurofins Ntd Llc (ga)
Classification: Benign. Last evaluated: 2017-08-10. Review status: criteria provided, single submitter. Criteria: EGL Classification Definitions 2015. Collection method: clinical testing. Allele origin: germline. Observed: 1 variant allele, 1 heterozygote.

Illumina Laboratory Services, Illumina
Classification: Benign for Metaphyseal anadysplasia 2. Last evaluated: 2017-04-27. Review status: criteria provided, single submitter. Criteria: ICSL Variant Classification Criteria 13 December 2019. Collection method: clinical testing. Allele origin: germline.
Comment: This variant was observed as part of a predisposition screen in an ostensibly healthy population. A literature search was performed for the gene, cDNA change, and amino acid change (where applicable). No publications were found based on this search. Allele frequency data from public databases was too high to be consistent with this variant causing disease. Therefore, this variant is classified as benign.

Breakthrough Genomics
Classification: Benign. Review status: criteria provided, single submitter. Criteria: ACMG Guidelines, 2015. Collection method: not provided. Allele origin: germline. Inheritance: Autosomal recessive inheritance. Affected: yes.

Dr. Peter K. Rogan Lab, Western University
No classification provided (evidence only). Condition: Colorectal cancer. Review status: no classification provided. Collection method: in vitro. Allele origin: not applicable. Functional consequence: retained intron. Not counted in ClinVar's aggregate classification.

Dr. Peter K. Rogan Lab, Western University
No classification provided (evidence only). Condition: Malignant lymphoma, large B-cell, diffuse. Review status: no classification provided. Collection method: in vitro. Allele origin: not applicable. Functional consequence: retained intron. Not counted in ClinVar's aggregate classification.

Dr. Peter K. Rogan Lab, Western University
No classification provided (evidence only). Condition: Malignant lymphoma, large B-cell, diffuse. Review status: no classification provided. Collection method: in vitro. Allele origin: not applicable. Functional consequence: retained intron. Not counted in ClinVar's aggregate classification.

Dr. Peter K. Rogan Lab, Western University
No classification provided (evidence only). Condition: Malignant lymphoma, large B-cell, diffuse. Review status: no classification provided. Collection method: in vitro. Allele origin: not applicable. Functional consequence: retained intron. Not counted in ClinVar's aggregate classification.

Dr. Peter K. Rogan Lab, Western University
No classification provided (evidence only). Condition: Malignant lymphoma, large B-cell, diffuse. Review status: no classification provided. Collection method: in vitro. Allele origin: not applicable. Functional consequence: skipped exon, retained intron. Not counted in ClinVar's aggregate classification.

Dr. Peter K. Rogan Lab, Western University
No classification provided (evidence only). Condition: Malignant lymphoma, large B-cell, diffuse. Review status: no classification provided. Collection method: in vitro. Allele origin: not applicable. Functional consequence: retained intron. Not counted in ClinVar's aggregate classification.

Dr. Peter K. Rogan Lab, Western University
No classification provided (evidence only). Condition: Malignant lymphoma, large B-cell, diffuse. Review status: no classification provided. Collection method: in vitro. Allele origin: not applicable. Functional consequence: retained intron. Not counted in ClinVar's aggregate classification.

Dr. Peter K. Rogan Lab, Western University
No classification provided (evidence only). Condition: Malignant lymphoma, large B-cell, diffuse. Review status: no classification provided. Collection method: in vitro. Allele origin: not applicable. Functional consequence: skipped exon, retained intron. Not counted in ClinVar's aggregate classification.

Dr. Peter K. Rogan Lab, Western University
No classification provided (evidence only). Condition: Malignant lymphoma, large B-cell, diffuse. Review status: no classification provided. Collection method: in vitro. Allele origin: not applicable. Functional consequence: skipped exon, retained intron. Not counted in ClinVar's aggregate classification.

Dr. Peter K. Rogan Lab, Western University
No classification provided (evidence only). Condition: Malignant lymphoma, large B-cell, diffuse. Review status: no classification provided. Collection method: in vitro. Allele origin: not applicable. Functional consequence: skipped exon, retained intron. Not counted in ClinVar's aggregate classification.

Dr. Peter K. Rogan Lab, Western University
No classification provided (evidence only). Condition: Malignant lymphoma, large B-cell, diffuse. Review status: no classification provided. Collection method: in vitro. Allele origin: not applicable. Functional consequence: skipped exon, retained intron. Not counted in ClinVar's aggregate classification.

Dr. Peter K. Rogan Lab, Western University
No classification provided (evidence only). Condition: Hepatocellular carcinoma. Review status: no classification provided. Collection method: in vitro. Allele origin: not applicable. Functional consequence: retained intron. Not counted in ClinVar's aggregate classification.

Dr. Peter K. Rogan Lab, Western University
No classification provided (evidence only). Condition: Hepatocellular carcinoma. Review status: no classification provided. Collection method: in vitro. Allele origin: not applicable. Functional consequence: retained intron. Not counted in ClinVar's aggregate classification.

Dr. Peter K. Rogan Lab, Western University
No classification provided (evidence only). Condition: Uterine carcinosarcoma. Review status: no classification provided. Collection method: in vitro. Allele origin: not applicable. Functional consequence: retained intron. Not counted in ClinVar's aggregate classification.

Dr. Peter K. Rogan Lab, Western University
No classification provided (evidence only). Condition: Uterine carcinosarcoma. Review status: no classification provided. Collection method: in vitro. Allele origin: not applicable. Functional consequence: skipped exon. Not counted in ClinVar's aggregate classification.

Dr. Peter K. Rogan Lab, Western University
No classification provided (evidence only). Condition: Uterine carcinosarcoma. Review status: no classification provided. Collection method: in vitro. Allele origin: not applicable. Functional consequence: retained intron. Not counted in ClinVar's aggregate classification.